The following is an entry in ClinVar:

ClinVar aggregate classification (germline): Uncertain significance. Review status: criteria provided, multiple submitters, no conflicts (2 of 4 stars). 3 submissions from 3 submitters: Uncertain significance (3). Last evaluated 2025-08-12.

Conditions:
Saldino-Mainzer syndrome (SRTD9). Also called: CONORENAL SYNDROME; SHORT-RIB THORACIC DYSPLASIA 9 WITHOUT POLYDACTYLY; Renal dysplasia, retinal pigmentary dystrophy, cerebellar ataxia and skeletal dysplasia; short-rib thoracic dysplasia 9 with or without polydactyly. Identifiers: Orphanet 140969, MedGen C1849437, MONDO:0009964, OMIM 266920.
Inborn genetic diseases. Identifiers: MedGen C0950123, MeSH D030342.

Allele frequency attached by ClinVar (database versions not stated): gnomAD exomes below 0.00001; ExAC 0.00002; TOPMed 0.00003; ESP Exome Variant Server 0.00015.

Submissions (3):

Ambry Genetics
Classification: Uncertain significance for Inborn genetic diseases. Last evaluated: 2025-08-12. Review status: criteria provided, single submitter. Criteria: Ambry Variant Classification Scheme 2023. Collection method: clinical testing. Allele origin: germline.

Blueprint Genetics
Classification: Uncertain significance. Last evaluated: 2024-03-28. Review status: criteria provided, single submitter. Criteria: ACMG Guidelines, 2015. Collection method: clinical testing. Allele origin: germline.

Labcorp Genetics (formerly Invitae), Labcorp
Classification: Uncertain significance for Saldino-Mainzer syndrome. Last evaluated: 2021-08-24. Review status: criteria provided, single submitter. Criteria: Invitae Variant Classification Sherloc (09022015). Collection method: clinical testing. Allele origin: germline.
Comment: This sequence change replaces arginine with glutamine at codon 73 of the IFT140 protein (p.Arg73Gln). The arginine residue is moderately conserved and there is a small physicochemical difference between arginine and glutamine. This variant is present in population databases (rs149202904, ExAC 0.005%). This variant has not been reported in the literature in individuals affected with IFT140-related conditions. Algorithms developed to predict the effect of missense changes on protein structure and function are either unavailable or do not agree on the potential impact of this missense change (SIFT: "Deleterious"; PolyPhen-2: "Possibly Damaging"; Align-GVGD: "Class C0"). Algorithms developed to predict the effect of sequence changes on RNA splicing suggest that this variant may create or strengthen a splice site. In summary, the available evidence is currently insufficient to determine the role of this variant in disease. Therefore, it has been classified as a Variant of Uncertain Significance.

NM_014714.4(IFT140):c.218G>A (p.Arg73Gln)

Genes: IFT140 (intraflagellar transport 140; minus strand), LOC105371046 (uncharacterized LOC105371046; plus strand). Cytogenetic location: 16p13.3.
Variant type: single nucleotide variant.
Coding change: c.218G>A on transcript NM_014714.4 (MANE Select); coding-DNA position 218, G replaced by A.
Protein change: p.Arg73Gln; replaces arginine 73 with glutamine.
Molecular consequence: missense variant.
Genome position (GRCh38, 1-based): chr16:1,602,521, C>T on the plus strand (G>A on the coding strand, the complement: IFT140 is on the minus strand). VCF-style: chr16-1602521-C-T. GRCh37 (hg19) VCF-style: chr16-1652522-C-T.
Other names: short protein forms R73Q.
Identifiers: ClinVar variation 851706 (VCV000851706.5), dbSNP rs149202904, ClinGen allele CA7814772.